The following is an entry in ClinVar:

ClinVar aggregate classification (germline): Uncertain significance. Review status: criteria provided, multiple submitters, no conflicts (2 of 4 stars). 3 submissions from 3 submitters: Uncertain significance (3). Last evaluated 2024-10-25.

Conditions:
Cerebral creatine deficiency syndrome. Also called: Creatine deficiency syndromes. Identifiers: Orphanet 79172, MedGen C5244016, MONDO:0000456.
Deficiency of guanidinoacetate methyltransferase (CCDS2). Also called: GAMT DEFICIENCY; CEREBRAL CREATINE DEFICIENCY SYNDROME 2; Guanidinoacetate Methyltransferase (GAMT) Deficiency. Identifiers: Orphanet 382, MedGen C0574080, MONDO:0012999, OMIM 612736.
Inborn genetic diseases. Identifiers: MedGen C0950123, MeSH D030342.

Allele frequency attached by ClinVar (database versions not stated): ExAC 0.00014; TOPMed 0.00015; gnomAD exomes 0.00002 and 0.00005; 1000 Genomes Project 0.00020; gnomAD 0.00003; 1000 Genomes Project 30x 0.00031.
gnomAD v4.1: 39 of 1,513,158 alleles (0.0026%); highest among the groups gnomAD compares: Admixed American, 0.035%; no homozygotes.

Submissions (3):

Ambry Genetics
Classification: Uncertain significance for Inborn genetic diseases. Last evaluated: 2024-10-25. Review status: criteria provided, single submitter. Criteria: Ambry Variant Classification Scheme 2023. Collection method: clinical testing. Allele origin: germline.

Labcorp Genetics (formerly Invitae), Labcorp
Classification: Uncertain significance for Cerebral creatine deficiency syndrome. Last evaluated: 2022-10-13. Review status: criteria provided, single submitter. Criteria: Invitae Variant Classification Sherloc (09022015). Collection method: clinical testing. Allele origin: germline.
Comment: This sequence change replaces alanine, which is neutral and non-polar, with valine, which is neutral and non-polar, at codon 56 of the GAMT protein (p.Ala56Val). The frequency data for this variant in the population databases is considered unreliable, as metrics indicate poor data quality at this position in the gnomAD database. This variant has not been reported in the literature in individuals affected with GAMT-related conditions. ClinVar contains an entry for this variant (Variation ID: 544255). Advanced modeling of protein sequence and biophysical properties (such as structural, functional, and spatial information, amino acid conservation, physicochemical variation, residue mobility, and thermodynamic stability) performed at Invitae indicates that this missense variant is not expected to disrupt GAMT protein function. In summary, the available evidence is currently insufficient to determine the role of this variant in disease. Therefore, it has been classified as a Variant of Uncertain Significance.

Center for Genomics, Ann and Robert H. Lurie Children's Hospital of Chicago
Classification: Uncertain significance for Deficiency of guanidinoacetate methyltransferase. Last evaluated: 2021-03-30. Review status: criteria provided, single submitter. Criteria: ACMG Guidelines, 2015. Collection method: clinical testing. Allele origin: germline.
Comment: GAMT NM_000156.5 exon 1 p.Ala56Val (c.167C>T): This variant has not been reported in the literature but is present in 0.02% (3/13658) of Latino alleles in the Genome Aggregation Database. This variant is present in ClinVar (Variation ID:544255). This variant amino acid Valine (Val) is present in >30 species including mammals and is not well conserved among evolutionarily distant species; this suggests that this variant may not impact the protein. Additional computational prediction tools do not suggest an impact. In summary, data on this variant is insufficient for disease classification. Therefore, the clinical significance of this variant is uncertain.

NM_000156.6(GAMT):c.167C>T (p.Ala56Val)

Genes: GAMT (guanidinoacetate N-methyltransferase; minus strand), LOC130062945 (ATAC-STARR-seq lymphoblastoid silent region 9707; plus strand). Cytogenetic location: 19p13.3.
Variant type: single nucleotide variant.
Coding change: c.167C>T on transcript NM_000156.6 (MANE Select); coding-DNA position 167, C replaced by T.
Protein change: p.Ala56Val; replaces alanine 56 with valine.
Molecular consequence: missense variant.
Genome position (GRCh38, 1-based): chr19:1,401,310, G>A on the plus strand (C>T on the coding strand, the complement: GAMT is on the minus strand). VCF-style: chr19-1401310-G-A. GRCh37 (hg19) VCF-style: chr19-1401309-G-A.
Other names: c.167C>T, p.Ala56Val (NM_138924.3); short protein forms A56V.
Identifiers: ClinVar variation 544255 (VCV000544255.7), dbSNP rs575350720, ClinGen allele CA9043793.